The following is an entry in ClinVar:

ClinVar aggregate classification (germline): Conflicting classifications of pathogenicity. Review status: criteria provided, conflicting classifications (1 of 4 stars). 2 submissions from 2 submitters: Uncertain significance (1); Likely benign (1). Last evaluated 2025-10-07.

Allele frequency attached by ClinVar (database versions not stated): gnomAD 0.00001; TOPMed 0.00001.
gnomAD v4.1: 13 of 1,604,276 alleles (0.00081%); highest among the groups gnomAD compares: African/African-American, 0.0027%; no homozygotes.

Submissions (2):

Ambry Genetics
Classification: Likely benign. Last evaluated: 2025-10-07. Review status: criteria provided, single submitter. Criteria: Ambry Variant Classification Scheme 2023. Collection method: clinical testing. Allele origin: germline.

Labcorp Genetics (formerly Invitae), Labcorp
Classification: Uncertain significance. Last evaluated: 2025-02-18. Review status: criteria provided, single submitter. Criteria: Invitae Variant Classification Sherloc (09022015). Collection method: clinical testing. Allele origin: germline.
Comment: This sequence change replaces proline, which is neutral and non-polar, with leucine, which is neutral and non-polar, at codon 391 of the PLEKHM2 protein (p.Pro391Leu). This variant is present in population databases (rs764775012, gnomAD 0.003%). This variant has not been reported in the literature in individuals affected with PLEKHM2-related conditions. ClinVar contains an entry for this variant (Variation ID: 1441126). An algorithm developed to predict the effect of missense changes on protein structure and function outputs the following: PolyPhen-2: "Benign". The leucine amino acid residue is found in multiple mammalian species, which suggests that this missense change does not adversely affect protein function. In summary, the available evidence is currently insufficient to determine the role of this variant in disease. Therefore, it has been classified as a Variant of Uncertain Significance.

NM_015164.4(PLEKHM2):c.1172C>T (p.Pro391Leu)

Gene: PLEKHM2 (pleckstrin homology and RUN domain containing M2; plus strand). Cytogenetic location: 1p36.21.
Variant type: single nucleotide variant.
Coding change: c.1172C>T on transcript NM_015164.4 (MANE Select); coding-DNA position 1172, C replaced by T.
Protein change: p.Pro391Leu; replaces proline 391 with leucine.
Molecular consequence: missense variant.
Genome position (GRCh38, 1-based): chr1:15,727,244, C>T. VCF-style: chr1-15727244-C-T. GRCh37 (hg19) VCF-style: chr1-16053739-C-T.
Other names: c.1172C>T (NM_015164.2); short protein forms P391L.
Identifiers: ClinVar variation 1441126 (VCV001441126.9), dbSNP rs764775012, ClinGen allele CA616881.
Genomic context (GRCh38, chr1:15,727,244, plus strand): 5'-CCCCCCAGGAGGAGGGAGAGGGGCCGAGCAGCACCACGGAGAGCAGCGAGCGCTCCGAGC[C>T]GGGCCTGCTGATCCCTGAGATGAAGGACACCTCCATGGAGCGCTTGGGGCAGCCCCTGAG-3'
Protein context (NP_055979.2, residues 381-401): STTESSERSE[Pro391Leu]GLLIPEMKDT